The following is an entry in ClinVar:

NM_024757.5(EHMT1):c.3423dup (p.Ser1142fs)

Gene: EHMT1 (euchromatic histone lysine methyltransferase 1; plus strand). Cytogenetic location: 9q34.3.
Variant type: Duplication.
Coding change: c.3423dup on transcript NM_024757.5 (MANE Select); coding-DNA position 3423, one base duplicated (G; older notation c.3423dupG).
Protein change: p.Ser1142fs; shifts the reading frame from serine 1142.
Molecular consequence: frameshift variant.
Genome position (GRCh38, 1-based): chr9:137,817,487, G duplicated; the last of 2 consecutive G bases (chr9:137,817,486-137,817,487); duplicating either gives the same sequence. VCF-style (leftmost placement, unchanged base first): chr9-137817485-C-CG. GRCh37 (hg19) VCF-style: chr9-140711937-C-CG.
Other names: c.3402dup, p.Ser1135fs (NM_001354263.2); short protein forms S1135fs, S1142fs.
Identifiers: ClinVar variation 4277256 (VCV004277256.1).
Genomic context (GRCh38, chr9:137,817,485, plus strand): 5'-TCTCTATTTTTCAGGGCAAGGCTGCAGCTCTACCGGACGCGGGACATGGGCTGGGGCGTG[C>CG]GGTCCCTGCAGGACATCCCACCAGGCACCTTTGTCTGCGAGTGAGTGAGTCCCTGGGTCA-3'

ClinVar aggregate classification (germline): Likely pathogenic (1 of 4 stars; one submission).

Conditions:
Kleefstra syndrome 1 (KLEFS1). Identifiers: Orphanet 261494, MedGen C0795833, MONDO:0027407, OMIM 610253.

Submission:

MVZ Medizinische Genetik Mainz
Classification: Likely pathogenic for Kleefstra syndrome 1. Last evaluated: 2025-09-09. Review status: criteria provided, single submitter. Criteria: UK Practice Guidelines For Variant Classification V4 01 2020. Collection method: clinical testing. Allele origin: germline. Inheritance: Autosomal dominant inheritance. Affected: yes. Observed: 1 variant allele.
Comment: ACMG Criteria: PVS1,PM2_SUP